The following is an entry in ClinVar:

ClinVar aggregate classification (germline): Benign/Likely benign. Review status: criteria provided, multiple submitters, no conflicts (2 of 4 stars). 5 submissions from 5 submitters: Benign (1); Likely benign (4). Last evaluated 2024-08-05.

Conditions:
Juvenile polyposis syndrome (JPS). Identifiers: Orphanet 2929, MedGen C0345893, MONDO:0017380, OMIM 174900.
Hereditary cancer-predisposing syndrome. Also called: Hereditary Cancer Syndrome; Hereditary neoplastic syndrome; Neoplastic Syndromes, Hereditary; Tumor predisposition. Identifiers: Orphanet 140162, MedGen C0027672, MeSH D009386, MONDO:0015356.

Allele frequency attached by ClinVar (database versions not stated): gnomAD exomes below 0.00001; ExAC 0.00001.
gnomAD v4.1: 6 of 1,614,100 alleles (0.00037%); highest among the groups gnomAD compares: South Asian, 0.0011%; no homozygotes.

Submissions (5):

Myriad Genetics, Inc.
Classification: Benign for Juvenile polyposis syndrome. Last evaluated: 2024-08-05. Review status: criteria provided, single submitter. Criteria: Myriad Autosomal Dominant, Autosomal Recessive and X-Linked Classification Criteria (2023). Collection method: clinical testing. Allele origin: unknown.
Comment: This variant is considered benign. This variant is a silent/synonymous amino acid change and it is not expected to impact splicing.

Labcorp Genetics (formerly Invitae), Labcorp
Classification: Likely benign for Juvenile polyposis syndrome. Last evaluated: 2024-07-06. Review status: criteria provided, single submitter. Criteria: Invitae Variant Classification Sherloc (09022015). Collection method: clinical testing. Allele origin: germline.

All of Us Research Program, National Institutes of Health
Classification: Likely benign for Juvenile polyposis syndrome. Last evaluated: 2023-12-01. Review status: criteria provided, single submitter. Criteria: ACMG Guidelines, 2015. Collection method: clinical testing. Allele origin: germline. Inheritance: Autosomal dominant inheritance. Observed: 1 variant allele, 1 heterozygote.
Comment: This study involves interpretation of variants in research participants for the purpose of population health screening. Participant phenotype was not available at the time of variant classification. Additional details can be found in publication PMID: 35346344, PMCID: PMC8962531

Ambry Genetics
Classification: Likely benign for Hereditary cancer-predisposing syndrome. Last evaluated: 2020-12-18. Review status: criteria provided, single submitter. Criteria: Ambry Variant Classification Scheme 2023. Collection method: clinical testing. Allele origin: germline.

Color Diagnostics, LLC DBA Color Health
Classification: Likely benign for Hereditary cancer-predisposing syndrome. Last evaluated: 2018-11-26. Review status: criteria provided, single submitter. Criteria: ACMG Guidelines, 2015. Collection method: clinical testing. Allele origin: germline.

NM_004329.3(BMPR1A):c.705G>A (p.Gln235=)

Gene: BMPR1A (bone morphogenetic protein receptor type 1A; plus strand). Cytogenetic location: 10q23.2.
Variant type: single nucleotide variant.
Coding change: c.705G>A on transcript NM_004329.3 (MANE Select); coding-DNA position 705, G replaced by A.
Protein change: p.Gln235=; no amino-acid change (glutamine 235 retained).
Molecular consequence: synonymous variant.
Genome position (GRCh38, 1-based): chr10:86,917,163, G>A. VCF-style: chr10-86917163-G-A. GRCh37 (hg19) VCF-style: chr10-88676920-G-A.
Identifiers: ClinVar variation 924436 (VCV000924436.15), dbSNP rs780907902, ClinGen allele CA5585589.